The following is an entry in ClinVar:

ClinVar aggregate classification (germline): Likely benign (0 of 4 stars; one submission).

Conditions:
GFRA1-related disorder. Also called: GFRA1-related condition.

Allele frequency attached by ClinVar (database versions not stated): gnomAD exomes 0.00022; ExAC 0.00062; gnomAD 0.00188; TOPMed 0.00195; ESP Exome Variant Server 0.00200; 1000 Genomes Project 30x 0.00203; 1000 Genomes Project 0.00240.
gnomAD v4.1: 634 of 1,613,496 alleles (0.039%); highest among the groups gnomAD compares: African/African-American, 0.68%; 1 homozygote.

Submission:

PreventionGenetics, part of Exact Sciences
Classification: Likely benign for GFRA1-related condition. Last evaluated: 2019-03-21. Review status: no assertion criteria provided. Collection method: clinical testing. Allele origin: germline.
Comment: This variant is classified as likely benign based on ACMG/AMP sequence variant interpretation guidelines (Richards et al. 2015 PMID: 25741868, with internal and published modifications).

NM_005264.8(GFRA1):c.755C>T (p.Thr252Met)

Gene: GFRA1 (GDNF family receptor alpha 1; minus strand). Cytogenetic location: 10q25.3.
Variant type: single nucleotide variant.
Coding change: c.755C>T on transcript NM_005264.8 (MANE Select); coding-DNA position 755, C replaced by T.
Protein change: p.Thr252Met; replaces threonine 252 with methionine.
Molecular consequence: missense variant.
Genome position (GRCh38, 1-based): chr10:116,125,236, G>A on the plus strand (C>T on the coding strand, the complement: GFRA1 is on the minus strand). VCF-style: chr10-116125236-G-A. GRCh37 (hg19) VCF-style: chr10-117884747-G-A.
Other names: c.740C>T, p.Thr247Met (NM_001145453.4, NM_001348096.3, NM_001382556.2 and 6 more transcripts); c.755C>T, p.Thr252Met (NM_001348097.1, NM_001348098.4); c.392C>T, p.Thr131Met (NM_001348099.3); short protein forms T131M, T247M, T252M.
Identifiers: ClinVar variation 3051155 (VCV003051155.2), dbSNP rs138633134, ClinGen allele CA5705325.